The following is an entry in ClinVar:

NM_181486.4(TBX5):c.564G>A (p.Ala188=)

Gene: TBX5 (T-box transcription factor 5; minus strand). Cytogenetic location: 12q24.21.
Variant type: single nucleotide variant.
Coding change: c.564G>A on transcript NM_181486.4 (MANE Select); coding-DNA position 564, G replaced by A.
Protein change: p.Ala188=; no amino-acid change (alanine 188 retained).
Molecular consequence: synonymous variant.
Genome position (GRCh38, 1-based): chr12:114,394,840, C>T on the plus strand (G>A on the coding strand, the complement: TBX5 is on the minus strand). VCF-style: chr12-114394840-C-T. GRCh37 (hg19) VCF-style: chr12-114832645-C-T.
Other names: c.564G>A, p.Ala188= (NM_000192.3); c.414G>A, p.Ala138= (NM_080717.4).
Identifiers: ClinVar variation 970384 (VCV000970384.37), dbSNP rs745378130, ClinGen allele CA6809577.

ClinVar aggregate classification (germline): Conflicting classifications of pathogenicity. Review status: criteria provided, conflicting classifications (1 of 4 stars). 4 submissions from 4 submitters: Uncertain significance (1); Likely benign (3). Last evaluated 2024-04-22.

Conditions:
Holt-Oram syndrome (HOS). Also called: Ventriculo-radial syndrome; Cardiac-limb syndrome; Heart-hand syndrome, type 1; TBX5-Related Holt-Oram Syndrome. Identifiers: Orphanet 392, MedGen C0265264, MONDO:0007732, OMIM 142900.
Cardiovascular phenotype. Identifiers: MedGen CN230736.
Aortic valve disease 2 (AOVD2). Identifiers: MedGen C3542024, MONDO:0013902, OMIM 614823.

Allele frequency attached by ClinVar (database versions not stated): TOPMed 0.00003.
gnomAD v4.1: 60 of 1,613,936 alleles (0.0037%); highest among the groups gnomAD compares: Middle Eastern, 0.016%; no homozygotes.

Submissions (4):

Labcorp Genetics (formerly Invitae), Labcorp
Classification: Likely benign for Aortic valve disease 2. Last evaluated: 2024-04-22. Review status: criteria provided, single submitter. Criteria: Invitae Variant Classification Sherloc (09022015). Collection method: clinical testing. Allele origin: germline.

CeGaT Center for Human Genetics Tuebingen
Classification: Likely benign. Last evaluated: 2022-07-01. Review status: criteria provided, single submitter. Criteria: CeGaT Center For Human Genetics Tuebingen Variant Classification Criteria Version 2. Collection method: clinical testing. Allele origin: germline. Affected: yes. Observed: 1 variant allele.
Comment: TBX5: BP4, BP7

Fulgent Genetics
Classification: Uncertain significance for Holt-Oram syndrome. Last evaluated: 2022-02-09. Review status: criteria provided, single submitter. Criteria: ACMG Guidelines, 2015. Collection method: clinical testing. Allele origin: unknown.

Ambry Genetics
Classification: Likely benign for Cardiovascular phenotype. Last evaluated: 2018-09-07. Review status: criteria provided, single submitter. Criteria: Ambry Variant Classification Scheme 2023. Collection method: clinical testing. Allele origin: germline.